The following is an entry in ClinVar:

NM_000264.5(PTCH1):c.1864G>A (p.Val622Met)

Genes: PTCH1 (patched 1; minus strand), LOC100507346 (uncharacterized LOC100507346; plus strand). Cytogenetic location: 9q22.32.
Variant type: single nucleotide variant.
Coding change: c.1864G>A on transcript NM_000264.5 (MANE Select); coding-DNA position 1864, G replaced by A.
Protein change: p.Val622Met; replaces valine 622 with methionine.
Molecular consequence: missense variant. On other transcripts: non-coding transcript variant (2).
Genome position (GRCh38, 1-based): chr9:95,469,137, C>T on the plus strand (G>A on the coding strand, the complement: PTCH1 is on the minus strand). VCF-style: chr9-95469137-C-T. GRCh37 (hg19) VCF-style: chr9-98231419-C-T.
Other names: c.1666G>A, p.Val556Met (NM_001083602.3); c.1861G>A, p.Val621Met (NM_001083603.3); c.1411G>A, p.Val471Met (NM_001083604.3, NM_001083605.3, NM_001083606.3 and 1 more transcripts); c.1708G>A, p.Val570Met (NM_001354918.2); short protein forms V556M, V471M, V622M, V621M, V570M.
Identifiers: ClinVar variation 820214 (VCV000820214.15), dbSNP rs765258547, ClinGen allele CA374116165.
Genomic context (GRCh38, chr9:95,469,137, plus strand): 5'-GGGGGCTGTAGCGGGTATTGTCGTGTGTGTCGGTGTAGGCCTGAGGTTCAACCTGAATCA[C>T]TCTGCTGACGCAGGGGCTGAAAGGAGGGGAAACATGTTGCAATGTTATGCTGAAACAGGG-3'
Protein context (NP_000255.2, residues 612-632): CCFTSPCVSR[Val622Met]IQVEPQAYTD

ClinVar aggregate classification (germline): Uncertain significance. Review status: criteria provided, multiple submitters, no conflicts (2 of 4 stars). 2 submissions from 2 submitters: Uncertain significance (2). Last evaluated 2025-03-19.

Conditions:
Hereditary cancer-predisposing syndrome. Also called: Hereditary Cancer Syndrome; Neoplastic Syndromes, Hereditary; Hereditary neoplastic syndrome; Tumor predisposition. Identifiers: Orphanet 140162, MedGen C0027672, MeSH D009386, MONDO:0015356.
Gorlin syndrome. Also called: Nevoid Basal Cell Carcinoma Syndrome; Basal cell nevus syndrome. Identifiers: Orphanet 377, MedGen C0004779, MONDO:0007187.

gnomAD v4.1: 1 of 1,614,092 alleles (0.000062%); highest among the groups gnomAD compares: East Asian, 0.0022%; no homozygotes.

Submissions (2):

Ambry Genetics
Classification: Uncertain significance for Hereditary cancer-predisposing syndrome. Last evaluated: 2025-03-19. Review status: criteria provided, single submitter. Criteria: Ambry Variant Classification Scheme 2023. Collection method: clinical testing. Allele origin: germline.
Comment: The p.V622M variant (also known as c.1864G>A), located in coding exon 14 of the PTCH1 gene, results from a G to A substitution at nucleotide position 1864. The valine at codon 622 is replaced by methionine, an amino acid with highly similar properties. This amino acid position is highly conserved in available vertebrate species. In addition, the in silico prediction for this alteration is inconclusive. Based on the available evidence, the clinical significance of this variant remains unclear.

Labcorp Genetics (formerly Invitae), Labcorp
Classification: Uncertain significance for Gorlin syndrome. Last evaluated: 2019-02-15. Review status: criteria provided, single submitter. Criteria: Invitae Variant Classification Sherloc (09022015). Collection method: clinical testing. Allele origin: germline.
Comment: Algorithms developed to predict the effect of missense changes on protein structure and function (SIFT, PolyPhen-2, Align-GVGD) all suggest that this variant is likely to be tolerated, but these predictions have not been confirmed by published functional studies and their clinical significance is uncertain. In summary, the available evidence is currently insufficient to determine the role of this variant in disease. Therefore, it has been classified as a Variant of Uncertain Significance. This variant has not been reported in the literature in individuals with PTCH1-related conditions. This variant is not present in population databases (ExAC no frequency). This sequence change replaces valine with methionine at codon 622 of the PTCH1 protein (p.Val622Met). The valine residue is moderately conserved and there is a small physicochemical difference between valine and methionine.